The following is an entry in ClinVar:

NM_004415.4(DSP):c.6955G>T (p.Gly2319Cys)

Gene: DSP (desmoplakin; plus strand). Cytogenetic location: 6p24.3.
Variant type: single nucleotide variant.
Coding change: c.6955G>T on transcript NM_004415.4 (MANE Select); coding-DNA position 6955, G replaced by T.
Protein change: p.Gly2319Cys; replaces glycine 2319 with cysteine.
Molecular consequence: missense variant.
Genome position (GRCh38, 1-based): chr6:7,584,217, G>T. VCF-style: chr6-7584217-G-T. GRCh37 (hg19) VCF-style: chr6-7584450-G-T.
Other names: c.5158G>T, p.Gly1720Cys (NM_001008844.3); c.5626G>T, p.Gly1876Cys (NM_001319034.2); short protein forms G1720C, G1876C, G2319C.
Identifiers: ClinVar variation 4756473 (VCV004756473.1).

ClinVar aggregate classification (germline): Uncertain significance (1 of 4 stars; one submission).

Conditions:
Cardiomyopathy (CMYO). Also called: Cardiomyopathies. Identifiers: Orphanet 167848, MedGen C0878544, MONDO:0004994, HP:0001638. Inheritance: Various modes of inheritance.

gnomAD v4.1: 1 of 1,614,176 alleles (0.000062%); highest among the groups gnomAD compares: African/African-American, 0.0013%; no homozygotes.

Submission:

Color Diagnostics, LLC DBA Color Health
Classification: Uncertain significance for Cardiomyopathy. Last evaluated: 2025-09-05. Review status: criteria provided, single submitter. Criteria: ACMG Guidelines, 2015. Collection method: clinical testing. Allele origin: germline.
Comment: This missense variant replaces glycine with cysteine at codon 2319 of the DSP protein. Computational prediction suggests that this variant may have deleterious impact on protein structure and function. To our knowledge, functional studies have not been reported for this variant. This variant has not been reported in individuals affected with DSP-related disorders in the literature. This variant has not been identified in the general population by the Genome Aggregation Database (gnomAD). The available evidence is insufficient to determine the role of this variant in disease conclusively. Therefore, this variant is classified as a Variant of Uncertain Significance.